The following is an entry in ClinVar:

ClinVar aggregate classification (germline): Uncertain significance. Review status: criteria provided, multiple submitters, no conflicts (2 of 4 stars). 4 submissions from 4 submitters: Uncertain significance (4). Last evaluated 2026-03-29.

Conditions:
COL11A2-related disorder. Also called: COL11A2-related condition; COL11A2-related disorders.

Allele frequency attached by ClinVar (database versions not stated): gnomAD exomes 0.00001; TOPMed 0.00001.
gnomAD v4.1: 22 of 1,613,078 alleles (0.0014%); highest among the groups gnomAD compares: Non-Finnish European, 0.0014%; no homozygotes.

Submissions (4):

PreventionGenetics, part of Exact Sciences
Classification: Uncertain significance for COL11A2-related condition. Last evaluated: 2026-03-29. Review status: criteria provided, single submitter. Criteria: ACMG Guidelines, 2015. Collection method: clinical testing. Allele origin: germline.
Comment: The COL11A2 c.3604G>A variant is predicted to result in the amino acid substitution p.Gly1202Ser. To our knowledge, this variant has not been reported in the literature. This variant is reported in 0.00090% of alleles in individuals of European (Non-Finnish) descent in gnomAD. At this time, the clinical significance of this variant is uncertain due to the absence of conclusive functional and genetic evidence.

Labcorp Genetics (formerly Invitae), Labcorp
Classification: Uncertain significance. Last evaluated: 2026-01-27. Review status: criteria provided, single submitter. Criteria: Invitae Variant Classification Sherloc (09022015). Collection method: clinical testing. Allele origin: germline.
Comment: This sequence change replaces glycine, which is neutral and non-polar, with serine, which is neutral and polar, at codon 1202 of the COL11A2 protein (p.Gly1202Ser). This variant is not present in population databases (gnomAD no frequency). This variant has not been reported in the literature in individuals affected with COL11A2-related conditions. ClinVar contains an entry for this variant (Variation ID: 2138223). Invitae Evidence Modeling of protein sequence and biophysical properties (such as structural, functional, and spatial information, amino acid conservation, physicochemical variation, residue mobility, and thermodynamic stability) indicates that this missense variant is not expected to disrupt COL11A2 protein function with a negative predictive value of 95%. In summary, the available evidence is currently insufficient to determine the role of this variant in disease. Therefore, it has been classified as a Variant of Uncertain Significance.

Women's Health and Genetics/Laboratory Corporation of America, LabCorp
Classification: Uncertain significance. Last evaluated: 2024-05-03. Review status: criteria provided, single submitter. Criteria: LabCorp Variant Classification Summary - May 2015. Collection method: clinical testing. Allele origin: germline.
Comment: Variant summary: COL11A2 c.3604G>A (p.Gly1202Ser) results in a non-conservative amino acid change in the encoded protein sequence. Three of five in-silico tools predict a damaging effect of the variant on protein function. The variant allele was found at a frequency of 4e-06 in 247072 control chromosomes. The available data on variant occurrences in the general population are insufficient to allow any conclusion about variant significance. To our knowledge, no occurrence of c.3604G>A in individuals affected with COL11A2-Related Disorders and no experimental evidence demonstrating its impact on protein function have been reported. ClinVar contains an entry for this variant (Variation ID: 2138223). Based on the evidence outlined above, the variant was classified as uncertain significance.

GeneDx
Classification: Uncertain significance. Last evaluated: 2023-12-04. Review status: criteria provided, single submitter. Criteria: GeneDx Variant Classification Process June 2021. Collection method: clinical testing. Allele origin: germline. Affected: yes.
Comment: Not observed at significant frequency in large population cohorts (gnomAD); In silico analysis supports that this missense variant has a deleterious effect on protein structure/function; Has not been previously published as pathogenic or benign to our knowledge

NM_080680.3(COL11A2):c.3604G>A (p.Gly1202Ser)

Gene: COL11A2 (collagen type XI alpha 2 chain; minus strand). Cytogenetic location: 6p21.32.
Variant type: single nucleotide variant.
Coding change: c.3604G>A on transcript NM_080680.3 (MANE Select); coding-DNA position 3604, G replaced by A.
Protein change: p.Gly1202Ser; replaces glycine 1202 with serine.
Molecular consequence: missense variant.
Genome position (GRCh38, 1-based): chr6:33,170,079, C>T on the plus strand (G>A on the coding strand, the complement: COL11A2 is on the minus strand). VCF-style: chr6-33170079-C-T. GRCh37 (hg19) VCF-style: chr6-33137856-C-T.
Other names: c.3283G>A, p.Gly1095Ser (NM_080679.3); c.3346G>A, p.Gly1116Ser (NM_080681.3); c.3604G>A (NM_080680.2); short protein forms G1095S, G1116S, G1202S.
Identifiers: ClinVar variation 2138223 (VCV002138223.6), dbSNP rs1562324356, ClinGen allele CA363629117.